The following is an entry in ClinVar:

ClinVar aggregate classification (germline): Likely pathogenic (1 of 4 stars; one submission).

Conditions:
Warsaw breakage syndrome (WABS). Also called: DDX11-Related Cohesinopathy. Identifiers: Orphanet 280558, MedGen C3150658, MONDO:0013252, OMIM 613398.

Submission:

Juno Genomics, Hangzhou Juno Genomics, Inc
Classification: Likely pathogenic for Warsaw breakage syndrome. Review status: criteria provided, single submitter. Criteria: ACMG Guidelines, 2015. Collection method: clinical testing. Allele origin: germline. Affected: yes.
Comment: Null variant in a gene where loss of function (LOF) is a known mechanism of disease.;Absent from controls (or at extremely low frequency if recessive) in Genome Aggregation Database, Exome Sequencing Project, 1000 Genomes Project, or Exome Aggregation Consortium.

NM_030653.4(DDX11):c.782del (p.Gly261fs)

Gene: DDX11 (DEAD/H-box helicase 11; plus strand). Cytogenetic location: 12p11.21.
Variant type: Deletion.
Coding change: c.782del on transcript NM_030653.4 (MANE Select); coding-DNA position 782, one base deleted (G; older notation c.782delG).
Protein change: p.Gly261fs; shifts the reading frame from glycine 261.
Molecular consequence: frameshift variant. On other transcripts: 5 prime UTR variant (3), non-coding transcript variant (4).
Genome position (GRCh38, 1-based): chr12:31,089,141, G deleted; the last of 2 consecutive G bases (chr12:31,089,140-31,089,141); deleting either gives the same sequence. VCF-style (leftmost placement, unchanged base first): chr12-31089139-TG-T. GRCh37 (hg19) VCF-style: chr12-31242073-TG-T.
Other names: c.782del, p.Gly261fs (NM_001257144.2, NM_001413692.1, NM_001413693.1 and 5 more transcripts); c.704del, p.Gly235fs (NM_001257145.2, NM_001413697.1, NM_001413698.1 and 1 more transcripts); c.695del, p.Gly232fs (NM_001413700.1); c.254del, p.Gly85fs (NM_001413702.1, NM_001413703.1); c.-80del (NM_001413704.1, NM_001413705.1); c.-97del (NM_001413706.1); short protein forms G232fs, G235fs, G261fs, G85fs.
Identifiers: ClinVar variation 3382073 (VCV003382073.2).